The following is an entry in ClinVar:

NM_001035.3(RYR2):c.350A>T (p.His117Leu)

Gene: RYR2 (ryanodine receptor 2; plus strand). Cytogenetic location: 1q43.
Variant type: single nucleotide variant.
Coding change: c.350A>T on transcript NM_001035.3 (MANE Select); coding-DNA position 350, A replaced by T.
Protein change: p.His117Leu; replaces histidine 117 with leucine.
Molecular consequence: missense variant.
Genome position (GRCh38, 1-based): chr1:237,369,574, A>T. VCF-style: chr1-237369574-A-T. GRCh37 (hg19) VCF-style: chr1-237532874-A-T.
Other names: short protein forms H117L.
Identifiers: ClinVar variation 3071746 (VCV003071746.1), dbSNP rs1572014733, ClinGen allele CA345654992.

ClinVar aggregate classification (germline): Uncertain significance (1 of 4 stars; one submission).

Conditions:
Catecholaminergic polymorphic ventricular tachycardia (CVPT). Also called: Catecholamine-induced polymorphic ventricular tachycardia. Identifiers: Orphanet 3286, MedGen C5574922, MONDO:0017990.

Allele frequency attached by ClinVar (database versions not stated): TOPMed below 0.00001.

Submission:

All of Us Research Program, National Institutes of Health
Classification: Uncertain significance for Catecholaminergic polymorphic ventricular tachycardia. Last evaluated: 2023-06-28. Review status: criteria provided, single submitter. Criteria: ACMG Guidelines, 2015. Collection method: clinical testing. Allele origin: germline. Inheritance: Autosomal dominant inheritance. Observed: 1 variant allele, 1 heterozygote.
Comment: This study involves interpretation of variants in research participants for the purpose of population health screening. Participant phenotype was not available at the time of variant classification. Additional details can be found in publication PMID: 35346344, PMCID: PMC8962531